The following is an entry in ClinVar:

NM_000179.3(MSH6):c.107C>T (p.Ala36Val)

Gene: MSH6 (mutS homolog 6; plus strand). Cytogenetic location: 2p16.3.
Variant type: single nucleotide variant.
Coding change: c.107C>T on transcript NM_000179.3 (MANE Select); coding-DNA position 107, C replaced by T.
Protein change: p.Ala36Val; replaces alanine 36 with valine.
Molecular consequence: missense variant. On other transcripts: 5 prime UTR variant (1).
Genome position (GRCh38, 1-based): chr2:47,783,340, C>T. VCF-style: chr2-47783340-C-T. GRCh37 (hg19) VCF-style: chr2-48010479-C-T.
Other names: c.107C>T, p.Ala36Val (NM_001281492.2); c.-630C>T (NM_001281493.2); short protein forms A36V.
Identifiers: ClinVar variation 140779 (VCV000140779.65), dbSNP rs61756469, ClinGen allele CA007963.

ClinVar aggregate classification (germline): Conflicting classifications of pathogenicity. Review status: criteria provided, conflicting classifications (1 of 4 stars). 21 submissions from 21 submitters: Uncertain significance (7); Benign (2); Likely benign (10). 2 of the submissions do not count toward it. Last evaluated 2026-02-03.

Conditions:
MSH6-related disorder. Also called: MSH6-related condition; MSH6-Related disorders.
Hereditary nonpolyposis colon cancer (HNPCC). Also called: Hereditary nonpolyposis colorectal cancer; Familial nonpolyposis colon cancer; Hereditary Nonpolyposis Colorectal Cancer Syndrome. Identifiers: Orphanet 443909, MedGen C1333990, MONDO:0018630. Disease mechanism: loss of function.
Hereditary nonpolyposis colorectal neoplasms. Identifiers: MedGen C0009405, MeSH D003123.
Breast and/or ovarian cancer. Identifiers: MedGen CN221562.
Hereditary cancer-predisposing syndrome. Also called: Tumor predisposition; Hereditary neoplastic syndrome; Hereditary Cancer Syndrome; Neoplastic Syndromes, Hereditary. Identifiers: Orphanet 140162, MedGen C0027672, MeSH D009386, MONDO:0015356.
Ovarian cancer. Also called: OVARIAN CANCER, SOMATIC. Identifiers: Orphanet 213500, MedGen C1140680, MONDO:0008170, OMIM 167000.
Lynch syndrome 5 (LYNCH5). Also called: Hereditary non-polyposis colorectal cancer, type 5; Colorectal cancer, hereditary nonpolyposis, type 5. Identifiers: Orphanet 144, MedGen C1833477, MONDO:0013710, OMIM 614350. Disease mechanism: loss of function.
Endometrial carcinoma. Also called: Endometrial carcinoma, somatic. Identifiers: MedGen C0476089, MONDO:0002447, OMIM 608089, HP:0012114.

Allele frequency attached by ClinVar (database versions not stated): gnomAD 0.00003 and 0.00004; TOPMed 0.00005; gnomAD exomes 0.00007 and 0.00016; ESP Exome Variant Server 0.00009; ExAC 0.00018.

Submissions 1 to 12 of 21:

Labcorp Genetics (formerly Invitae), Labcorp
Classification: Likely benign for Hereditary nonpolyposis colorectal neoplasms. Last evaluated: 2026-02-03. Review status: criteria provided, single submitter. Criteria: Invitae Variant Classification Sherloc (09022015). Collection method: clinical testing. Allele origin: germline.

Quest Diagnostics Nichols Institute San Juan Capistrano
Classification: Uncertain significance. Last evaluated: 2025-10-28. Review status: criteria provided, single submitter. Criteria: Quest Diagnostics criteria. Collection method: clinical testing. Allele origin: unknown.
Comment: The MSH6 c.107C>T (p.Ala36Val) variant has been reported in the published literature in individuals with breast cancer (PMID: 35449176 (2022)), nonmedullary thyroid cancer (PMID: 26530882 (2015)), and in an unspecified cancer (PMID: 31391288 (2020)). The frequency of this variant in the general population (Genome Aggregation Database) is higher than would generally be expected for pathogenic variants in this gene. Analysis of this variant using bioinformatics tools for the prediction of the effect of amino acid changes on protein structure and function yielded predictions that this variant is benign. Based on the available information, we are unable to determine the clinical significance of this variant.

Women's Health and Genetics/Laboratory Corporation of America, LabCorp
Classification: Likely benign. Last evaluated: 2025-10-06. Review status: criteria provided, single submitter. Criteria: LabCorp Variant Classification Summary - May 2015. Collection method: clinical testing. Allele origin: germline.
Comment: Variant summary: MSH6 c.107C>T (p.Ala36Val) results in a non-conservative amino acid change in the encoded protein sequence. Algorithms developed to predict the effect of missense changes on protein structure and function are either unavailable or do not agree on the potential impact of this missense change. The variant allele was found at a frequency of 0.00016 in 235384 control chromosomes, predominantly at a frequency of 0.00091 within the East Asian subpopulation in the gnomAD database. The observed variant frequency within East Asian control individuals in the gnomAD database exceeds the estimated maximal expected allele frequency for disease-causing variants in MSH6. c.107C>T has been observed in individuals affected with cancers including familial non-medullary thyroid cancer or prostate cancer without strong evidence of causality (e.g., Yu_2015, Wei_2019). These reports do not provide unequivocal conclusions about association of the variant with Hereditary Nonpolyposis Colorectal Cancer. To our knowledge, no experimental evidence demonstrating an impact on protein function has been reported. The following publications have been ascertained in the context of this evaluation (PMID: 23621914, 26530882, 29616133, 31248605). ClinVar contains an entry for this variant (Variation ID: 140779). Based on the evidence outlined above, the variant was classified as likely benign.

Dasa
Classification: Uncertain significance. Last evaluated: 2025-05-21. Review status: criteria provided, single submitter. Criteria: DASA Assertion Criteria. Collection method: clinical testing. Allele origin: germline.
Comment: NM_000179.3(MSH6):c.107C>T (p.Ala36Val) is a missense variant that results in the substitution of alanine with valine. Multiple computational predictions support a deleterious effect on the gene or gene product. The variant is present at low frequency in population datasets. Based on the available data, this variant is classified as variant of uncertain significance.

Center for Genomic Medicine, Rigshospitalet, Copenhagen University Hospital
Classification: Likely benign. Last evaluated: 2025-03-04. Review status: criteria provided, single submitter. Criteria: ACMG Guidelines, 2015. Collection method: clinical testing. Allele origin: germline.

Myriad Genetics, Inc.
Classification: Likely benign for Lynch syndrome 5. Last evaluated: 2024-12-17. Review status: criteria provided, single submitter. Criteria: Myriad Autosomal Dominant, Autosomal Recessive and X-Linked Classification Criteria (2023). Collection method: clinical testing. Allele origin: unknown.
Comment: This variant is considered likely benign. This variant is strongly associated with less severe personal and family histories of cancer, typical for individuals without pathogenic variants in this gene [PMID: 27363726].

Molecular Diagnostics Laboratory, Catalan Institute of Oncology
Classification: Likely benign for Hereditary cancer-predisposing syndrome. Last evaluated: 2024-09-24. Review status: criteria provided, single submitter. Criteria: MMR VCEP Paper Draft V3.1. Collection method: clinical testing. Allele origin: germline.
Comment: BS1, BP4 c.107C>T, located in exon 1 of the MSH6 gene, is predicted to result in the substitution of Ala by Val at codon 36, p.(Ala36Val). The variant allele was found in 16/18590 alleles, with a filter allele frequency of 0.054% at 95% confidence, within the East Asian population in the gnomAD v2.1.1 database (non-cancer data set) (BS1). Computational tools for this variant suggests no significant impact on splicing and does not affect the protein function (MAPP+PolyPhen-2 prior probability for pathogenicity: 0.04) (BP4). To our knowledge, neither individuals with Lynch syndrome-related conditions nor functional studies have been reported in the literature for this variant. There are no reports of pathogenic missense variants in the same codon. In addition, the variant was identified in the ClinVar database (2x benign, 9x likely benign, 6x uncertain significance) and LOVD database (2x likely benign, 1x uncertain significance), but it was not identified in InSiGHT database. Based on currently available information, the variant c.107C>T should be considered a likely benign variant.

Blueprint Genetics
Classification: Likely benign. Last evaluated: 2024-02-22. Review status: criteria provided, single submitter. Criteria: ACMG Guidelines, 2015. Collection method: clinical testing. Allele origin: germline.

CeGaT Center for Human Genetics Tuebingen
Classification: Likely benign. Last evaluated: 2023-12-01. Review status: criteria provided, single submitter. Criteria: CeGaT Center For Human Genetics Tuebingen Variant Classification Criteria Version 2. Collection method: clinical testing. Allele origin: germline. Affected: yes. Observed: 1 variant allele.
Comment: MSH6: BP1

Mendelics
Classification: Benign for Hereditary nonpolyposis colon cancer. Last evaluated: 2023-08-22. Review status: criteria provided, single submitter. Criteria: Mendelics Assertion Criteria 2019. Collection method: clinical testing. Allele origin: germline.

Genetic Services Laboratory, University of Chicago
Classification: Uncertain significance. Last evaluated: 2023-06-14. Review status: criteria provided, single submitter. Criteria: ACMG Guidelines, 2015. Collection method: clinical testing. Allele origin: germline. Affected: no.
Comment: DNA sequence analysis of the MSH6 gene demonstrated a sequence change, c.107C>T, in exon 1 that results in an amino acid change, p.Ala36Val. This sequence has been previously described in association with breast /ovarian cancer and familial non-medullary thyroid cancer (PMID 26530882, 32068069). A bioinformatics algorithm developed to asses impact of MSH6 variants predicted no impact on MSH6 for this variant (PMID: 23621914). This sequence change has been described in the gnomAD database with a frequency of 0.08% in the East Asian subpopulation (dbSNP rs61756469). The p.Ala36Val change affects a poorly conserved amino acid residue located in a domain of the MSH6 protein that is known to be functional. The p.Ala36Val substitution appears to be benign using several in-silico pathogenicity prediction tools (SIFT, PolyPhen2, Align GVGD, REVEL). Due to insufficient evidence and the lack of functional studies, the clinical significance of the p.Ala36Val change remains unknown at this time.

PreventionGenetics, part of Exact Sciences
Classification: Uncertain significance for MSH6-related condition. Last evaluated: 2023-05-18. Review status: criteria provided, single submitter. Criteria: ACMG Guidelines, 2015. Collection method: clinical testing. Allele origin: germline.
Comment: The MSH6 c.107C>T variant is predicted to result in the amino acid substitution p.Ala36Val. This variant has been reported in an individual with non-medullary thyroid cancer (Yu et al. 2015. PubMed ID: 26530882). This variant is reported in 0.084% of alleles in individuals of East Asian descent in gnomAD and has conflicting interpretations of likely benign and uncertain significance in ClinVar. At this time, the clinical significance of this variant is uncertain due to the absence of conclusive functional and genetic evidence.